The following is an entry in ClinVar:

ClinVar aggregate classification (germline): Uncertain significance (1 of 4 stars; one submission).

Conditions:
Charcot-Marie-Tooth disease type 2. Also called: Charcot-Marie-Tooth type 2. Identifiers: Orphanet 64746, MedGen C0270914, MONDO:0018993.

Submission:

Labcorp Genetics (formerly Invitae), Labcorp
Classification: Uncertain significance for Charcot-Marie-Tooth disease type 2. Last evaluated: 2017-11-07. Review status: criteria provided, single submitter. Criteria: Invitae Variant Classification Sherloc (09022015). Collection method: clinical testing. Allele origin: germline.
Comment: This sequence change replaces leucine with arginine at codon 745 of the MFN2 protein (p.Leu745Arg). The leucine residue is highly conserved and there is a moderate physicochemical difference between leucine and arginine. This variant is not present in population databases (ExAC no frequency). This variant has not been reported in the literature in individuals with MFN2-related disease. Algorithms developed to predict the effect of missense changes on protein structure and function do not agree on the potential impact of this missense change (SIFT: "Deleterious"; PolyPhen-2: "Probably Damaging"; Align-GVGD: "Class C0"). In summary, the available evidence is currently insufficient to determine the role of this variant in disease. Therefore, it has been classified as a Variant of Uncertain Significance. A different missense substitution at this codon (p.Leu745Pro) has been reported in two siblings with hereditary motorand sensory neuropathy(HMSN) (PMID: 20008656), however, the clinical significance of this variant is unknown.

Literature cited by the submitters: PubMed 20008656.

NM_014874.4(MFN2):c.2234T>G (p.Leu745Arg)

Gene: MFN2 (mitofusin 2; plus strand). Cytogenetic location: 1p36.22.
Variant type: single nucleotide variant.
Coding change: c.2234T>G on transcript NM_014874.4 (MANE Select); coding-DNA position 2234, T replaced by G.
Protein change: p.Leu745Arg; replaces leucine 745 with arginine.
Molecular consequence: missense variant.
Genome position (GRCh38, 1-based): chr1:12,011,525, T>G. VCF-style: chr1-12011525-T-G. GRCh37 (hg19) VCF-style: chr1-12071582-T-G.
Other names: c.2234T>G, p.Leu745Arg (NM_001127660.2); short protein forms L745R.
Identifiers: ClinVar variation 543233 (VCV000543233.8), dbSNP rs1553146569, ClinGen allele CA338454376.